The following is an entry in ClinVar:

NM_001005242.3(PKP2):c.2504T>G (p.Leu835Arg)

Gene: PKP2 (plakophilin 2; minus strand). Cytogenetic location: 12p11.21.
Variant type: single nucleotide variant.
Coding change: c.2504T>G on transcript NM_001005242.3 (MANE Select); coding-DNA position 2504, T replaced by G.
Protein change: p.Leu835Arg; replaces leucine 835 with arginine.
Molecular consequence: missense variant.
Genome position (GRCh38, 1-based): chr12:32,792,434, A>C on the plus strand (T>G on the coding strand, the complement: PKP2 is on the minus strand). VCF-style: chr12-32792434-A-C. GRCh37 (hg19) VCF-style: chr12-32945368-A-C.
Other names: c.2636T>G, p.Leu879Arg (NM_004572.4); short protein forms L879R, L835R.
Identifiers: ClinVar variation 308505 (VCV000308505.10), dbSNP rs775572104, ClinGen allele CA10637299.

ClinVar aggregate classification (germline): Uncertain significance. Review status: criteria provided, multiple submitters, no conflicts (2 of 4 stars). 3 submissions from 3 submitters: Uncertain significance (3). Last evaluated 2023-12-01.

Conditions:
Arrhythmogenic right ventricular cardiomyopathy (ARVD). Also called: Arrhythmogenic cardiomyopathy; Arrhythmogenic Right Ventricular Cardiomyopathy (ARVC); Cardiomyopathy, ARVC; Arrhythmogenic right ventricular dysplasia. Identifiers: Orphanet 247, MedGen C0349788, MeSH D019571, MONDO:0016587. Disease mechanism: loss of function. Inheritance: Various modes of inheritance.
Arrhythmogenic right ventricular dysplasia 9 (ARVD9). Also called: ARRHYTHMOGENIC RIGHT VENTRICULAR DYSPLASIA, FAMILIAL, 9; Arrhythmogenic Right Ventricular Dysplasia/Cardiomyopathy 9. Identifiers: MedGen C1836906, MONDO:0012180, OMIM 609040.

gnomAD v4.1: 2 of 1,612,926 alleles (0.00012%); highest among the groups gnomAD compares: East Asian, 0.0045%; no homozygotes.

Submissions (3):

All of Us Research Program, National Institutes of Health
Classification: Uncertain significance for Arrhythmogenic right ventricular cardiomyopathy. Last evaluated: 2023-12-01. Review status: criteria provided, single submitter. Criteria: ACMG Guidelines, 2015. Collection method: clinical testing. Allele origin: germline. Inheritance: Autosomal dominant inheritance. Observed: 2 variant alleles, 2 heterozygotes.
Comment: This missense variant replaces leucine with arginine at codon 879 of the PKP2 protein. Computational prediction is inconclusive regarding the impact of this variant on protein structure and function (internally defined REVEL score threshold 0.5 < inconclusive < 0.7, PMID: 27666373). To our knowledge, functional studies have not been reported for this variant. This variant has not been reported in individuals affected with PKP2-related disorders in the literature. This variant has not been identified in the general population by the Genome Aggregation Database (gnomAD). The available evidence is insufficient to determine the role of this variant in disease conclusively. Therefore, this variant is classified as a Variant of Uncertain Significance.

This study involves interpretation of variants in research participants for the purpose of population health screening. Participant phenotype was not available at the time of variant classification. Additional details can be found in publication PMID: 35346344, PMCID: PMC8962531

Labcorp Genetics (formerly Invitae), Labcorp
Classification: Uncertain significance for Arrhythmogenic right ventricular dysplasia 9. Last evaluated: 2022-01-28. Review status: criteria provided, single submitter. Criteria: Invitae Variant Classification Sherloc (09022015). Collection method: clinical testing. Allele origin: germline.
Comment: In summary, the available evidence is currently insufficient to determine the role of this variant in disease. Therefore, it has been classified as a Variant of Uncertain Significance. Algorithms developed to predict the effect of missense changes on protein structure and function are either unavailable or do not agree on the potential impact of this missense change (SIFT: "Deleterious"; PolyPhen-2: "Probably Damaging"; Align-GVGD: "Class C0"). ClinVar contains an entry for this variant (Variation ID: 308505). This variant has not been reported in the literature in individuals affected with PKP2-related conditions. This variant is not present in population databases (gnomAD no frequency). This sequence change replaces leucine, which is neutral and non-polar, with arginine, which is basic and polar, at codon 879 of the PKP2 protein (p.Leu879Arg).

Illumina Laboratory Services, Illumina
Classification: Uncertain significance for Arrhythmogenic right ventricular dysplasia 9. Last evaluated: 2018-01-13. Review status: criteria provided, single submitter. Criteria: ICSL Variant Classification Criteria 13 December 2019. Collection method: clinical testing. Allele origin: germline.